The following is an entry in ClinVar:

NM_024675.4(PALB2):c.2699C>G (p.Ala900Gly)

Gene: PALB2 (partner and localizer of BRCA2; minus strand). Cytogenetic location: 16p12.2.
Variant type: single nucleotide variant.
Coding change: c.2699C>G on transcript NM_024675.4 (MANE Select); coding-DNA position 2699, C replaced by G.
Protein change: p.Ala900Gly; replaces alanine 900 with glycine.
Molecular consequence: missense variant. On other transcripts: intron variant (3).
Genome position (GRCh38, 1-based): chr16:23,626,285, G>C on the plus strand (C>G on the coding strand, the complement: PALB2 is on the minus strand). VCF-style: chr16-23626285-G-C. GRCh37 (hg19) VCF-style: chr16-23637606-G-C.
Other names: c.2639C>G, p.Ala880Gly (NM_001407296.1); c.2627C>G, p.Ala876Gly (NM_001407297.1); c.2699C>G, p.Ala900Gly (NM_001407299.1, NM_001407300.1, NM_001407301.1); c.1814C>G, p.Ala605Gly (NM_001407304.1, NM_001407305.1, NM_001407306.1 and 4 more transcripts); c.911C>G, p.Ala304Gly (NM_001407312.1, NM_001407313.1); c.233C>G, p.Ala78Gly (NM_001407314.1); c.2587-2191C>G (NM_001407302.1, NM_001407298.1); c.1702-2191C>G (NM_001407307.1); short protein forms A900G, A304G, A876G, A880G, A605G, A78G.
Identifiers: ClinVar variation 2761268 (VCV002761268.3), dbSNP rs730881890, ClinGen allele CA395121947.
Genomic context (GRCh38, chr16:23,626,285, plus strand): 5'-TTCCCACTTACCTCTGCGAAGTGCCAGGTATAAAGTTTTTCCCACTGCCAAGCATCCAGA[G>C]CTTTCCAAAGAGAAACTACATCTTCGCAAGCAGTTATGATACATGGCTCTTTACAACCGG-3'
Protein context (NP_078951.2, residues 890-910): ACEDVVSLWK[Ala900Gly]LDAWQWEKLY

ClinVar aggregate classification (germline): Uncertain significance (1 of 4 stars; one submission).

Conditions:
Familial cancer of breast. Also called: Hereditary breast cancer; BREAST CANCER, FAMILIAL; hereditary breast carcinoma. Identifiers: Orphanet 227535, MedGen C0346153, MONDO:0016419, OMIM 114480. Disease mechanism: loss of function.

Submission:

Labcorp Genetics (formerly Invitae), Labcorp
Classification: Uncertain significance for Familial cancer of breast. Last evaluated: 2023-09-19. Review status: criteria provided, single submitter. Criteria: Invitae Variant Classification Sherloc (09022015). Collection method: clinical testing. Allele origin: germline.
Comment: In summary, the available evidence is currently insufficient to determine the role of this variant in disease. Therefore, it has been classified as a Variant of Uncertain Significance. Algorithms developed to predict the effect of sequence changes on RNA splicing suggest that this variant may disrupt the consensus splice site. Advanced modeling of protein sequence and biophysical properties (such as structural, functional, and spatial information, amino acid conservation, physicochemical variation, residue mobility, and thermodynamic stability) performed at Invitae indicates that this missense variant is not expected to disrupt PALB2 protein function. This variant has not been reported in the literature in individuals affected with PALB2-related conditions. This variant is not present in population databases (gnomAD no frequency). This sequence change replaces alanine, which is neutral and non-polar, with glycine, which is neutral and non-polar, at codon 900 of the PALB2 protein (p.Ala900Gly).